The following is an entry in ClinVar:

NM_001145860.2(POP1):c.2280C>T (p.Gly760=)

Gene: POP1 (POP1 ribonuclease P/MRP subunit; plus strand). Cytogenetic location: 8q22.2.
Variant type: single nucleotide variant.
Coding change: c.2280C>T on transcript NM_001145860.2 (MANE Select); coding-DNA position 2280, C replaced by T.
Protein change: p.Gly760=; no amino-acid change (glycine 760 retained).
Molecular consequence: synonymous variant.
Genome position (GRCh38, 1-based): chr8:98,156,272, C>T. VCF-style: chr8-98156272-C-T. GRCh37 (hg19) VCF-style: chr8-99168500-C-T.
Other names: c.2280C>T, p.Gly760= (NM_001145861.2, NM_015029.3).
Identifiers: ClinVar variation 2658705 (VCV002658705.24), dbSNP rs1292452647, ClinGen allele CA462456784.

ClinVar aggregate classification (germline): Likely benign (1 of 4 stars; one submission).

Submission:

CeGaT Center for Human Genetics Tuebingen
Classification: Likely benign. Last evaluated: 2022-07-01. Review status: criteria provided, single submitter. Criteria: CeGaT Center For Human Genetics Tuebingen Variant Classification Criteria Version 2. Collection method: clinical testing. Allele origin: germline. Affected: yes. Observed: 1 variant allele.
Comment: POP1: PM2:Supporting, BP4, BP7